The following is an entry in ClinVar:

ClinVar aggregate classification (germline): Uncertain significance (1 of 4 stars; one submission).

Submission:

GeneDx
Classification: Uncertain significance. Last evaluated: 2021-06-01. Review status: criteria provided, single submitter. Criteria: GeneDx Variant Classification Process June 2021. Collection method: clinical testing. Allele origin: germline. Affected: yes.
Comment: Not observed at significant frequency in large population cohorts (Lek 2006).; In silico analysis supports that this missense variant has a deleterious effect on protein structure/function; Has not been previously published as pathogenic or benign to our knowledge; This variant is associated with the following publications: (PMID: 27535533)

NM_000501.4(ELN):c.1781A>C (p.Lys594Thr)

Genes: ELN-AS1 (ELN antisense RNA 1; minus strand), ELN (elastin; plus strand). Cytogenetic location: 7q11.23.
Variant type: single nucleotide variant.
Coding change: c.1781A>C on transcript NM_000501.4 (MANE Select); coding-DNA position 1781, A replaced by C.
Protein change: p.Lys594Thr; replaces lysine 594 with threonine.
Molecular consequence: missense variant.
Genome position (GRCh38, 1-based): chr7:74,061,134, A>C. VCF-style: chr7-74061134-A-C. GRCh37 (hg19) VCF-style: chr7-73475464-A-C.
Other names: c.1694A>C, p.Lys565Thr (NM_001081752.3); c.1739A>C, p.Lys580Thr (NM_001081753.3); c.1796A>C, p.Lys599Thr (NM_001081754.3); c.1724A>C, p.Lys575Thr (NM_001081755.3); c.1781A>C, p.Lys594Thr (NM_001278912.2); c.1538A>C, p.Lys513Thr (NM_001278913.2); c.1709A>C, p.Lys570Thr (NM_001278914.2); c.1799A>C, p.Lys600Thr (NM_001278915.2); and 4 more; short protein forms K594T, K505T, K575T, K656T, K565T, K570T, K600T, K513T.
Identifiers: ClinVar variation 452771 (VCV000452771.3), dbSNP rs782679448, ClinGen allele CA367887800.